The following is an entry in ClinVar:

ClinVar aggregate classification (germline): Uncertain significance. Review status: criteria provided, multiple submitters, no conflicts (2 of 4 stars). 2 submissions from 2 submitters: Uncertain significance (2). Last evaluated 2024-08-02.

Conditions:
Inborn genetic diseases. Identifiers: MedGen C0950123, MeSH D030342.

Allele frequency attached by ClinVar (database versions not stated): gnomAD exomes below 0.00001; TOPMed 0.00001; gnomAD 0.00003.
gnomAD v4.1: 6 of 1,611,910 alleles (0.00037%); highest among the groups gnomAD compares: Non-Finnish European, 0.00051%; no homozygotes.

Submissions (2):

Labcorp Genetics (formerly Invitae), Labcorp
Classification: Uncertain significance. Last evaluated: 2024-08-02. Review status: criteria provided, single submitter. Criteria: Invitae Variant Classification Sherloc (09022015). Collection method: clinical testing. Allele origin: germline.
Comment: This sequence change replaces tryptophan, which is neutral and slightly polar, with arginine, which is basic and polar, at codon 2068 of the CACNA1E protein (p.Trp2068Arg). This variant is present in population databases (no rsID available, gnomAD 0.0008%). This variant has not been reported in the literature in individuals affected with CACNA1E-related conditions. Advanced modeling of protein sequence and biophysical properties (such as structural, functional, and spatial information, amino acid conservation, physicochemical variation, residue mobility, and thermodynamic stability) performed at Invitae indicates that this missense variant is not expected to disrupt CACNA1E protein function with a negative predictive value of 95%. In summary, the available evidence is currently insufficient to determine the role of this variant in disease. Therefore, it has been classified as a Variant of Uncertain Significance.

Ambry Genetics
Classification: Uncertain significance for Inborn genetic diseases. Last evaluated: 2023-10-16. Review status: criteria provided, single submitter. Criteria: Ambry Variant Classification Scheme 2023. Collection method: clinical testing. Allele origin: germline.

NM_001205293.3(CACNA1E):c.6331T>C (p.Trp2111Arg)

Gene: CACNA1E (calcium voltage-gated channel subunit alpha1 E; plus strand). Cytogenetic location: 1q25.3.
Variant type: single nucleotide variant.
Coding change: c.6331T>C on transcript NM_001205293.3 (MANE Select); coding-DNA position 6331, T replaced by C.
Protein change: p.Trp2111Arg; replaces tryptophan 2111 with arginine.
Molecular consequence: missense variant.
Genome position (GRCh38, 1-based): chr1:181,796,790, T>C. VCF-style: chr1-181796790-T-C. GRCh37 (hg19) VCF-style: chr1-181765926-T-C.
Other names: c.6331T>C (NM_001205293.1); c.6202T>C, p.Trp2068Arg (NM_000721.4); c.6145T>C, p.Trp2049Arg (NM_001205294.2); short protein forms W2049R, W2111R, W2068R.
Identifiers: ClinVar variation 2963108 (VCV002963108.4), dbSNP rs1399659751, ClinGen allele CA343633510.